The following is an entry in ClinVar:

NM_000321.3(RB1):c.710_718+5del

Gene: RB1 (RB transcriptional corepressor 1; plus strand). Cytogenetic location: 13q14.2.
Variant type: Deletion.
Coding change: c.710_718+5del on transcript NM_000321.3 (MANE Select); coding-DNA position 710 through 5 bases into the intron after coding-DNA position 718, 14 bases deleted (AACCATATAGTAAG).
Molecular consequence: splice donor variant.
Genome position (GRCh38, 1-based): chr13:48,360,119-48,360,132, AACCATATAGTAAG deleted; deleting any 14 consecutive bases within chr13:48,360,116-48,360,132 gives the same sequence; the c. name uses the placement nearest the transcript's 3' end. VCF-style (leftmost placement, unchanged base first): chr13-48360115-AAAGAACCATATAGT-A. GRCh37 (hg19) VCF-style: chr13-48934251-AAAGAACCATATAGT-A.
Other names: c.710_718+5del (NM_001407165.1, NM_001407166.1); c.710_718+5del14 (NM_000321.2).
Identifiers: ClinVar variation 4056132 (VCV004056132.4).
Genomic context (GRCh38, chr13:48,360,115, plus strand): 5'-TTTCAGTTAATGCTATGTGTCCTTGACTATTTTATTAAACTCTCACCTCCCATGTTGCTC[AAAGAACCATATAGT>A]AAGTATTTAATTTATGCCCCTTTTACTTTCTCATTCAGCAGTTGCTTATTGAATGTCTAG-3'

ClinVar aggregate classification (germline): Likely pathogenic. Review status: criteria provided, multiple submitters, no conflicts (2 of 4 stars). 3 submissions from 3 submitters: Likely pathogenic (3). Last evaluated 2026-09-14.

Conditions:
RB1-related disorder. Also called: RB1-related condition.
Hereditary cancer-predisposing syndrome. Also called: Neoplastic Syndromes, Hereditary; Hereditary Cancer Syndrome; Hereditary neoplastic syndrome; Tumor predisposition. Identifiers: Orphanet 140162, MedGen C0027672, MeSH D009386, MONDO:0015356.
Retinoblastoma (RB1). Also called: RETINOBLASTOMA, SOMATIC. Identifiers: Orphanet 790, MedGen C0035335, MeSH D012175, MONDO:0008380, OMIM 180200, HP:0009919. Disease mechanism: loss of function. Inheritance: Both sporadic and heritable forms are tested..

Submissions (3):

PreventionGenetics, part of Exact Sciences
Classification: Likely pathogenic for RB1-related condition. Last evaluated: 2026-09-14. Review status: criteria provided, single submitter. Criteria: ACMG Guidelines, 2015. Collection method: clinical testing. Allele origin: germline.
Comment: The RB1 c.710_718+5del14 variant is predicted to result in a deletion affecting a canonical splice site. To our knowledge, this variant has not been reported in the literature or in a large population database (gnomAD), indicating this variant is rare. This variant is consistently interpreted as likely pathogenic in ClinVar (Variation ID: 4056132). Variants that impact the consensus splice donor sites in RB1 are expected to be pathogenic. This variant is interpreted as likely pathogenic.

Ambry Genetics
Classification: Likely pathogenic for Hereditary cancer-predisposing syndrome. Last evaluated: 2026-01-28. Review status: criteria provided, single submitter. Criteria: Ambry Variant Classification Scheme 2023. Collection method: clinical testing. Allele origin: germline.
Comment: The c.710_718+5del14 variant results from a deletion of 14 nucleotides between positions 710 and 718+5 and involves the canonical splice donor site after coding exon 7 of the RB1 gene. Variants that disrupt the canonical splice site are expected to result in aberrant splicing. In silico splice site analysis predicts that this alteration will weaken the native splice donor site. A resulting transcript is predicted to be in-frame and is not expected to trigger nonsense-mediated mRNA decay; although, direct evidence is unavailable. However, the region predicted to be impacted is critical for protein function (Ambry internal data). The canonical splice donor site is highly conserved in available vertebrate species. This variant is considered to be rare based on population cohorts in the Genome Aggregation Database (gnomAD). Based on the majority of available evidence to date, this variant is likely to be pathogenic.

St. Jude Molecular Pathology, St. Jude Children's Research Hospital
Classification: Likely pathogenic for Retinoblastoma. Last evaluated: 2025-06-17. Review status: criteria provided, single submitter. Criteria: St. Jude Assertion Criteria 2020. Collection method: clinical testing. Allele origin: germline.
Comment: The RB1 c.710_718+5del change is a fourteen-nucleotide deletion spanning the exon-intron boundary of exon 7 of the RB1 gene. This variant is predicted to result in aberrant splicing, resulting in an abnormal protein product. It is also absent in gnomAD v2.1.1. In summary, this variant meets criteria to be classified as likely pathogenic.